The following is an entry in ClinVar:

NM_022089.4(ATP13A2):c.653C>A (p.Pro218His)

Gene: ATP13A2 (ATPase cation transporting 13A2; minus strand). Cytogenetic location: 1p36.13.
Variant type: single nucleotide variant.
Coding change: c.653C>A on transcript NM_022089.4 (MANE Select); coding-DNA position 653, C replaced by A.
Protein change: p.Pro218His; replaces proline 218 with histidine.
Molecular consequence: missense variant.
Genome position (GRCh38, 1-based): chr1:17,002,086, G>T on the plus strand (C>A on the coding strand, the complement: ATP13A2 is on the minus strand). VCF-style: chr1-17002086-G-T. GRCh37 (hg19) VCF-style: chr1-17328581-G-T.
Other names: c.638C>A, p.Pro213His (NM_001141973.3, NM_001141974.3); short protein forms P213H, P218H.
Identifiers: ClinVar variation 1754097 (VCV001754097.2), dbSNP rs2524175811, ClinGen allele CA338259609.

ClinVar aggregate classification (germline): Uncertain significance (1 of 4 stars; one submission).

Conditions:
Inborn genetic diseases. Identifiers: MedGen C0950123, MeSH D030342.

Submission:

Ambry Genetics
Classification: Uncertain significance for Inborn genetic diseases. Last evaluated: 2019-06-07. Review status: criteria provided, single submitter. Criteria: Ambry Variant Classification Scheme 2023. Collection method: clinical testing. Allele origin: germline.
Comment: The p.P218H variant (also known as c.653C>A), located in coding exon 8 of the ATP13A2 gene, results from a C to A substitution at nucleotide position 653. The proline at codon 218 is replaced by histidine, an amino acid with similar properties. This amino acid position is well conserved in available vertebrate species. In addition, the in silico prediction for this alteration is inconclusive. Since supporting evidence is limited at this time, the clinical significance of this alteration remains unclear.